The following is an entry in ClinVar:

NM_032119.4(ADGRV1):c.6983G>T (p.Gly2328Val)

Gene: ADGRV1 (adhesion G protein-coupled receptor V1; plus strand). Cytogenetic location: 5q14.3.
Variant type: single nucleotide variant.
Coding change: c.6983G>T on transcript NM_032119.4 (MANE Select); coding-DNA position 6983, G replaced by T.
Protein change: p.Gly2328Val; replaces glycine 2328 with valine.
Molecular consequence: missense variant. On other transcripts: non-coding transcript variant (1).
Genome position (GRCh38, 1-based): chr5:90,692,636, G>T. VCF-style: chr5-90692636-G-T. GRCh37 (hg19) VCF-style: chr5-89988453-G-T.
Other names: c.6983G>T (NM_032119.3); short protein forms G2328V.
Identifiers: ClinVar variation 1018808 (VCV001018808.7), dbSNP rs762795086, ClinGen allele CA3339944.

ClinVar aggregate classification (germline): Uncertain significance. Review status: criteria provided, multiple submitters, no conflicts (2 of 4 stars). 3 submissions from 3 submitters: Uncertain significance (3). Last evaluated 2024-10-30.

Conditions:
Inborn genetic diseases. Identifiers: MedGen C0950123, MeSH D030342.

Allele frequency attached by ClinVar (database versions not stated): gnomAD 0.00002; TOPMed 0.00002; gnomAD exomes 0.00004; ExAC 0.00007.
gnomAD v4.1: 66 of 1,610,532 alleles (0.0041%); highest among the groups gnomAD compares: Middle Eastern, 0.033%; no homozygotes.

Submissions (3):

Blueprint Genetics
Classification: Uncertain significance. Last evaluated: 2024-10-30. Review status: criteria provided, single submitter. Criteria: ACMG Guidelines, 2015. Collection method: clinical testing. Allele origin: germline.

Ambry Genetics
Classification: Uncertain significance for Inborn genetic diseases. Last evaluated: 2024-09-09. Review status: criteria provided, single submitter. Criteria: Ambry Variant Classification Scheme 2023. Collection method: clinical testing. Allele origin: germline.

Labcorp Genetics (formerly Invitae), Labcorp
Classification: Uncertain significance. Last evaluated: 2022-10-17. Review status: criteria provided, single submitter. Criteria: Invitae Variant Classification Sherloc (09022015). Collection method: clinical testing. Allele origin: germline.
Comment: This sequence change replaces glycine, which is neutral and non-polar, with valine, which is neutral and non-polar, at codon 2328 of the ADGRV1 protein (p.Gly2328Val). This variant is present in population databases (rs762795086, gnomAD 0.01%). This missense change has been observed in individual(s) with retinitis pigmentosa (Invitae). ClinVar contains an entry for this variant (Variation ID: 1018808). Advanced modeling of protein sequence and biophysical properties (such as structural, functional, and spatial information, amino acid conservation, physicochemical variation, residue mobility, and thermodynamic stability) performed at Invitae indicates that this missense variant is not expected to disrupt ADGRV1 protein function. In summary, the available evidence is currently insufficient to determine the role of this variant in disease. Therefore, it has been classified as a Variant of Uncertain Significance.